The following is an entry in ClinVar:

NM_182961.4(SYNE1):c.11059C>A (p.Gln3687Lys)

Gene: SYNE1 (spectrin repeat containing nuclear envelope protein 1; minus strand). Cytogenetic location: 6q25.2.
Variant type: single nucleotide variant.
Coding change: c.11059C>A on transcript NM_182961.4 (MANE Select); coding-DNA position 11059, C replaced by A.
Protein change: p.Gln3687Lys; replaces glutamine 3687 with lysine.
Molecular consequence: missense variant.
Genome position (GRCh38, 1-based): chr6:152,353,612, G>T on the plus strand (C>A on the coding strand, the complement: SYNE1 is on the minus strand). VCF-style: chr6-152353612-G-T. GRCh37 (hg19) VCF-style: chr6-152674747-G-T.
Other names: c.11014C>A, p.Gln3672Lys (NM_033071.5); short protein forms Q3672K, Q3687K.
Identifiers: ClinVar variation 2014741 (VCV002014741.4), dbSNP rs1462897603, ClinGen allele CA366122988.
Genomic context (GRCh38, chr6:152,353,612, plus strand): 5'-TTGCTGGTCTATGCTGAGCACCTGGTGACCCACTCACCAGCACTTGGAGAAGCAGGGCCT[G>T]GTATCTGGAAGTCAGCTGGGTGGCCTGGCAACCCATTCTGCTGTTCACGTGGCTCTCGTC-3'
Protein context (NP_892006.3, residues 3677-3697): CQATQLTSRY[Gln3687Lys]ALLLQVLEQI

ClinVar aggregate classification (germline): Uncertain significance (1 of 4 stars; one submission).

Conditions:
Autosomal recessive ataxia, Beauce type. Also called: SYNE1 Deficiency; Spinocerebellar ataxia, autosomal recessive 8; ATAXIA, RECESSIVE, OF BEAUCE; SYNE1-Related Autosomal Recessive Cerebellar Ataxia. Identifiers: Orphanet 88644, MedGen C1853116, MONDO:0012549, OMIM 610743.
Emery-Dreifuss muscular dystrophy 4, autosomal dominant (EDMD4). Also called: EMERY-DREIFUSS MUSCULAR DYSTROPHY 4 WITH VARIABLE FEATURES. Identifiers: Orphanet 261, MedGen C2751807, MONDO:0013071, OMIM 612998.

Allele frequency attached by ClinVar (database versions not stated): TOPMed below 0.00001.

Submission:

Labcorp Genetics (formerly Invitae), Labcorp
Classification: Uncertain significance for Emery-Dreifuss muscular dystrophy 4, autosomal dominant; Autosomal recessive ataxia, Beauce type. Last evaluated: 2022-07-06. Review status: criteria provided, single submitter. Criteria: Invitae Variant Classification Sherloc (09022015). Collection method: clinical testing. Allele origin: germline.
Comment: This sequence change replaces glutamine, which is neutral and polar, with lysine, which is basic and polar, at codon 3672 of the SYNE1 protein (p.Gln3672Lys). This variant is not present in population databases (gnomAD no frequency). In summary, the available evidence is currently insufficient to determine the role of this variant in disease. Therefore, it has been classified as a Variant of Uncertain Significance. Algorithms developed to predict the effect of missense changes on protein structure and function (SIFT, PolyPhen-2, Align-GVGD) all suggest that this variant is likely to be disruptive. This variant has not been reported in the literature in individuals affected with SYNE1-related conditions.